The following is an entry in ClinVar:

ClinVar aggregate classification (germline): Uncertain significance (1 of 4 stars; one submission).

Conditions:
Familial adenomatous polyposis 1 (FAP1). Also called: FAMILIAL ADENOMATOUS POLYPOSIS 1, ATTENUATED; POLYPOSIS, ADENOMATOUS INTESTINAL. Identifiers: MedGen C2713442, MONDO:0021056, OMIM 175100. Disease mechanism: loss of function.

Submission:

Labcorp Genetics (formerly Invitae), Labcorp
Classification: Uncertain significance for Familial adenomatous polyposis 1. Last evaluated: 2021-10-23. Review status: criteria provided, single submitter. Criteria: Invitae Variant Classification Sherloc (09022015). Collection method: clinical testing. Allele origin: germline.
Comment: In summary, the available evidence is currently insufficient to determine the role of this variant in disease. Therefore, it has been classified as a Variant of Uncertain Significance. Algorithms developed to predict the effect of missense changes on protein structure and function are either unavailable or do not agree on the potential impact of this missense change (SIFT: "Deleterious"; PolyPhen-2: "Benign"; Align-GVGD: "Class C0"). This variant has not been reported in the literature in individuals affected with APC-related conditions. This variant is not present in population databases (ExAC no frequency). This sequence change replaces arginine with leucine at codon 348 of the APC protein (p.Arg348Leu). The arginine residue is highly conserved and there is a moderate physicochemical difference between arginine and leucine.

NM_000038.6(APC):c.1043G>T (p.Arg348Leu)

Gene: APC (APC regulator of Wnt signaling pathway; plus strand). Cytogenetic location: 5q22.2.
Variant type: single nucleotide variant.
Coding change: c.1043G>T on transcript NM_000038.6 (MANE Select); coding-DNA position 1043, G replaced by T.
Protein change: p.Arg348Leu; replaces arginine 348 with leucine.
Molecular consequence: missense variant. On other transcripts: intron variant (4).
Genome position (GRCh38, 1-based): chr5:112,819,075, G>T. VCF-style: chr5-112819075-G-T. GRCh37 (hg19) VCF-style: chr5-112154772-G-T.
Other names: c.989G>T, p.Arg330Leu (NM_001127511.3); c.1043G>T, p.Arg348Leu (NM_001354895.2, NM_001354896.2, NM_001127510.3); c.1073G>T, p.Arg358Leu (NM_001354897.2); c.968G>T, p.Arg323Leu (NM_001354898.2); c.959G>T, p.Arg320Leu (NM_001354899.2); c.866G>T, p.Arg289Leu (NM_001354900.2, NM_001354901.2); c.194G>T, p.Arg65Leu (NM_001354906.2); c.964-194G>T (NM_001354902.2); and 3 more; short protein forms R320L, R330L, R65L, R289L, R358L, R348L, R323L.
Identifiers: ClinVar variation 1388765 (VCV001388765.6), dbSNP rs1402950946, ClinGen allele CA16023597.